The following is an entry in ClinVar:

NM_001165963.4(SCN1A):c.5655A>C (p.Leu1885=)

Genes: SCN1A (sodium voltage-gated channel alpha subunit 1; minus strand), LOC102724058 (uncharacterized LOC102724058; plus strand). Cytogenetic location: 2q24.3.
Variant type: single nucleotide variant.
Coding change: c.5655A>C on transcript NM_001165963.4 (MANE Select); coding-DNA position 5655, A replaced by C.
Protein change: p.Leu1885=; no amino-acid change (leucine 1885 retained).
Molecular consequence: synonymous variant. On other transcripts: non-coding transcript variant (1).
Genome position (GRCh38, 1-based): chr2:165,991,620, T>G on the plus strand (A>C on the coding strand, the complement: SCN1A is on the minus strand). VCF-style: chr2-165991620-T-G. GRCh37 (hg19) VCF-style: chr2-166848130-T-G.
Other names: c.5571A>C, p.Leu1857= (NM_001165964.3, NM_001353957.2, NM_001353958.2); c.5655A>C, p.Leu1885= (NM_001202435.3, NM_001353948.2); c.5622A>C, p.Leu1874= (NM_001353949.2, NM_001353950.2, NM_001353951.2 and 2 more transcripts); c.5619A>C, p.Leu1873= (NM_001353954.2, NM_001353955.2); c.5568A>C, p.Leu1856= (NM_001353960.2); c.3213A>C, p.Leu1071= (NM_001353961.2).
Identifiers: ClinVar variation 706670 (VCV000706670.18), dbSNP rs746651472, ClinGen allele CA1942655.
Genomic context (GRCh38, chr2:165,991,620, plus strand): 5'-TGGCTGATAGGAGACCTTGGAAGGATTGGAAGCCATGAATCGCTCTTCCATCTGTATTCG[T>G]AGAGCATCCATCTCTCCACTCTCTCCTAGAACCCGCTTTGTAAAAGCAAATAAGATATCA-3'
Protein context (NP_001159435.1, residues 1875-1895): VLGESGEMDA[Leu1885=]RIQMEERFMA

ClinVar aggregate classification (germline): Likely benign. Review status: criteria provided, multiple submitters, no conflicts (2 of 4 stars). 3 submissions from 3 submitters: Likely benign (3). Last evaluated 2026-01-01.

Conditions:
Early-infantile DEE. Also called: Ohtahara syndrome; Early infantile epileptic encephalopathy; Early infantile epileptic encephalopathy with suppression bursts. Identifiers: Orphanet 1934, MedGen C0393706, MONDO:0800491.
Inborn genetic diseases. Identifiers: MedGen C0950123, MeSH D030342.

Allele frequency attached by ClinVar (database versions not stated): TOPMed 0.00002; gnomAD 0.00003; ExAC 0.00008.
gnomAD v4.1: 22 of 1,613,784 alleles (0.0014%); highest among the groups gnomAD compares: Admixed American, 0.037%; no homozygotes.

Submissions (3):

Labcorp Genetics (formerly Invitae), Labcorp
Classification: Likely benign for Early-infantile DEE. Last evaluated: 2026-01-01. Review status: criteria provided, single submitter. Criteria: Invitae Variant Classification Sherloc (09022015). Collection method: clinical testing. Allele origin: germline.

CeGaT Center for Human Genetics Tuebingen
Classification: Likely benign. Last evaluated: 2025-10-01. Review status: criteria provided, single submitter. Criteria: CeGaT Center For Human Genetics Tuebingen Variant Classification Criteria Version 2. Collection method: clinical testing. Allele origin: germline. Affected: yes. Observed: 1 variant allele.
Comment: SCN1A: BP4, BP7

Ambry Genetics
Classification: Likely benign for Inborn genetic diseases. Last evaluated: 2018-01-19. Review status: criteria provided, single submitter. Criteria: Ambry Variant Classification Scheme 2023. Collection method: clinical testing. Allele origin: germline.